The following is an entry in ClinVar:

ClinVar aggregate classification (germline): Uncertain significance (1 of 4 stars; one submission).

Submission:

GeneDx
Classification: Uncertain significance. Last evaluated: 2025-08-13. Review status: criteria provided, single submitter. Criteria: GeneDx Variant Classification Process June 2021. Collection method: clinical testing. Allele origin: germline. Affected: yes.
Comment: In silico analysis supports that this missense variant has a deleterious effect on protein structure/function; Has not been previously published as pathogenic or benign to our knowledge; This variant is associated with the following publications: (PMID: 18184292)

NM_000702.4(ATP1A2):c.2028T>A (p.Asp676Glu)

Gene: ATP1A2 (ATPase Na+/K+ transporting subunit alpha 2; plus strand). Cytogenetic location: 1q23.2.
Variant type: single nucleotide variant.
Coding change: c.2028T>A on transcript NM_000702.4 (MANE Select); coding-DNA position 2028, T replaced by A.
Protein change: p.Asp676Glu; replaces aspartic acid 676 with glutamic acid.
Molecular consequence: missense variant.
Genome position (GRCh38, 1-based): chr1:160,135,208, T>A. VCF-style: chr1-160135208-T-A. GRCh37 (hg19) VCF-style: chr1-160104998-T-A.
Other names: short protein forms D676E.
Identifiers: ClinVar variation 4795679 (VCV004795679.1).
Genomic context (GRCh38, chr1:160,135,208, plus strand): 5'-AGCCAAGGCATGCGTGGTGCACGGCTCTGACCTGAAGGACATGACATCGGAGCAGCTCGA[T>A]GAGATCCTCAAGAACCACACAGAGATCGTCTTTGCTCGAACGTCTCCCCAGCAGAAGCTC-3'
Protein context (NP_000693.1, residues 666-686): DLKDMTSEQL[Asp676Glu]EILKNHTEIV